The following is an entry in ClinVar:

ClinVar aggregate classification (germline): Likely pathogenic. Review status: criteria provided, multiple submitters, no conflicts (2 of 4 stars). 2 submissions from 2 submitters: Likely pathogenic (2). Last evaluated 2022-07-22.

Conditions:
Hypohidrotic X-linked ectodermal dysplasia (XHED). Also called: Christ-Siemans-Touraine syndrome; ECTODERMAL DYSPLASIA, HYPOHIDROTIC, 1; CST SYNDROME; Anhidrotic ectodermal dysplasia X-linked; Christ Siemens Touraine syndrome; ECTODERMAL DYSPLASIA 1, HYPOHIDROTIC, X-LINKED. Identifiers: Orphanet 181, Orphanet 238468, MedGen C0162359, MONDO:0010585, OMIM 305100.
Tooth agenesis, selective, X-linked, 1 (STHAGX1). Also called: HYPODONTIA/OLIGODONTIA, X-LINKED, 1. Identifiers: Orphanet 99798, MedGen C1970757, MONDO:0010741, OMIM 313500. Disease mechanism: loss of function.

Submissions (2):

Labcorp Genetics (formerly Invitae), Labcorp
Classification: Likely pathogenic for Hypohidrotic X-linked ectodermal dysplasia. Last evaluated: 2022-07-22. Review status: criteria provided, single submitter. Criteria: Invitae Variant Classification Sherloc (09022015). Collection method: clinical testing. Allele origin: germline.
Comment: In summary, the currently available evidence indicates that the variant is pathogenic, but additional data are needed to prove that conclusively. Therefore, this variant has been classified as Likely Pathogenic. This sequence change replaces valine, which is neutral and non-polar, with methionine, which is neutral and non-polar, at codon 365 of the EDA protein (p.Val365Met). This variant is not present in population databases (gnomAD no frequency). This variant has not been reported in the literature in individuals affected with EDA-related conditions. ClinVar contains an entry for this variant (Variation ID: 1482275). Advanced modeling of protein sequence and biophysical properties (such as structural, functional, and spatial information, amino acid conservation, physicochemical variation, residue mobility, and thermodynamic stability) performed at Invitae indicates that this missense variant is expected to disrupt EDA protein function. This variant disrupts the p.Val365 amino acid residue in EDA. Other variant(s) that disrupt this residue have been determined to be pathogenic (PMID: 19623212). This suggests that this residue is clinically significant, and that variants that disrupt this residue are likely to be disease-causing.

Fulgent Genetics
Classification: Likely pathogenic for Hypohidrotic X-linked ectodermal dysplasia; Tooth agenesis, selective, X-linked, 1. Last evaluated: 2021-08-12. Review status: criteria provided, single submitter. Criteria: ACMG Guidelines, 2015. Collection method: clinical testing. Allele origin: unknown.

Literature cited by the submitters: PubMed 19623212 (cited by Labcorp Genetics (formerly Invitae), Labcorp).

NM_001399.5(EDA):c.1093G>A (p.Val365Met)

Gene: EDA (ectodysplasin A; plus strand). Cytogenetic location: Xq13.1.
Variant type: single nucleotide variant.
Coding change: c.1093G>A on transcript NM_001399.5 (MANE Select); coding-DNA position 1093, G replaced by A.
Protein change: p.Val365Met; replaces valine 365 with methionine.
Molecular consequence: missense variant.
Genome position (GRCh38, 1-based): chrX:70,035,526, G>A. VCF-style: chrX-70035526-G-A. GRCh37 (hg19) VCF-style: chrX-69255376-G-A.
Other names: c.1087G>A, p.Val363Met (NM_001005609.2); c.1078G>A, p.Val360Met (NM_001005612.3); short protein forms V365M, V360M, V363M.
Identifiers: ClinVar variation 1482275 (VCV001482275.9), dbSNP rs2147519270, ClinGen allele CA413450241.